The following is an entry in ClinVar:

NM_004517.4(ILK):c.1018G>A (p.Val340Ile)

Genes: ILK (integrin linked kinase; plus strand), TAF10 (TATA-box binding protein associated factor 10; minus strand). Cytogenetic location: 11p15.4.
Variant type: single nucleotide variant.
Coding change: c.1018G>A on transcript NM_004517.4 (MANE Select); coding-DNA position 1018, G replaced by A.
Protein change: p.Val340Ile; replaces valine 340 with isoleucine.
Molecular consequence: missense variant. On other transcripts: 3 prime UTR variant (1).
Genome position (GRCh38, 1-based): chr11:6,609,975, G>A. VCF-style: chr11-6609975-G-A. GRCh37 (hg19) VCF-style: chr11-6631206-G-A.
Other names: c.1018G>A, p.Val340Ile (NM_001014794.3, NM_001014795.3); c.835G>A, p.Val279Ile (NM_001278441.2); c.616G>A, p.Val206Ile (NM_001278442.2); c.*947C>T (NM_006284.4); short protein forms V340I, V206I, V279I.
Identifiers: ClinVar variation 1519859 (VCV001519859.6), dbSNP rs2134570003, ClinGen allele CA379466244.

ClinVar aggregate classification (germline): Uncertain significance (1 of 4 stars; one submission).

Conditions:
Primary familial hypertrophic cardiomyopathy (HCM). Identifiers: Orphanet 99739, MedGen C0949658, MeSH D024741, MONDO:0024573. Inheritance: Various modes of inheritance.

Submission:

Labcorp Genetics (formerly Invitae), Labcorp
Classification: Uncertain significance for Primary familial hypertrophic cardiomyopathy. Last evaluated: 2021-10-11. Review status: criteria provided, single submitter. Criteria: Invitae Variant Classification Sherloc (09022015). Collection method: clinical testing. Allele origin: germline.
Comment: This sequence change replaces valine with isoleucine at codon 340 of the ILK protein (p.Val340Ile). The valine residue is highly conserved and there is a small physicochemical difference between valine and isoleucine. This variant is not present in population databases (ExAC no frequency). This variant has not been reported in the literature in individuals affected with ILK-related conditions. Algorithms developed to predict the effect of missense changes on protein structure and function are either unavailable or do not agree on the potential impact of this missense change (SIFT: "Deleterious"; PolyPhen-2: "Benign"; Align-GVGD: "Class C25"). In summary, the available evidence is currently insufficient to determine the role of this variant in disease. Therefore, it has been classified as a Variant of Uncertain Significance.